The following is an entry in ClinVar:

ClinVar aggregate classification (germline): Uncertain significance. Review status: criteria provided, multiple submitters, no conflicts (2 of 4 stars). 2 submissions from 2 submitters: Uncertain significance (2). Last evaluated 2026-04-01.

Conditions:
Hereditary cancer-predisposing syndrome. Also called: Tumor predisposition; Neoplastic Syndromes, Hereditary; Hereditary neoplastic syndrome; Hereditary Cancer Syndrome. Identifiers: Orphanet 140162, MedGen C0027672, MeSH D009386, MONDO:0015356.
Carney complex, type 1 (CNC1). Also called: CARNEY COMPLEX, TYPE I; CARNEY MYXOMA-ENDOCRINE COMPLEX. Identifiers: Orphanet 1359, MedGen C2607929, MONDO:0008057, OMIM 160980.

Allele frequency attached by ClinVar (database versions not stated): ExAC 0.00001; gnomAD exomes below 0.00001.
gnomAD v4.1: 1 of 1,611,822 alleles (0.000062%); highest among the groups gnomAD compares: Non-Finnish European, 0.000085%; no homozygotes.

Submissions (2):

Ambry Genetics
Classification: Uncertain significance for Hereditary cancer-predisposing syndrome. Last evaluated: 2026-04-01. Review status: criteria provided, single submitter. Criteria: Ambry Variant Classification Scheme 2023. Collection method: clinical testing. Allele origin: germline.
Comment: The p.K252E variant (also known as c.754A>G), located in coding exon 7 of the PRKAR1A gene, results from an A to G substitution at nucleotide position 754. The lysine at codon 252 is replaced by glutamic acid, an amino acid with similar properties. This amino acid position is highly conserved in available vertebrate species. In addition, this alteration is predicted to be deleterious by in silico analysis. Based on the available evidence, the clinical significance of this variant remains unclear.

Labcorp Genetics (formerly Invitae), Labcorp
Classification: Uncertain significance for Carney complex, type 1. Last evaluated: 2024-07-11. Review status: criteria provided, single submitter. Criteria: Invitae Variant Classification Sherloc (09022015). Collection method: clinical testing. Allele origin: germline.
Comment: This sequence change replaces lysine, which is basic and polar, with glutamic acid, which is acidic and polar, at codon 252 of the PRKAR1A protein (p.Lys252Glu). This variant is present in population databases (rs763921895, gnomAD 0.0009%). This variant has not been reported in the literature in individuals affected with PRKAR1A-related conditions. ClinVar contains an entry for this variant (Variation ID: 858696). Advanced modeling of protein sequence and biophysical properties (such as structural, functional, and spatial information, amino acid conservation, physicochemical variation, residue mobility, and thermodynamic stability) performed at Invitae indicates that this missense variant is not expected to disrupt PRKAR1A protein function with a negative predictive value of 80%. In summary, the available evidence is currently insufficient to determine the role of this variant in disease. Therefore, it has been classified as a Variant of Uncertain Significance.

NM_002734.5(PRKAR1A):c.754A>G (p.Lys252Glu)

Gene: PRKAR1A (protein kinase cAMP-dependent type I regulatory subunit alpha; plus strand). Cytogenetic location: 17q24.2.
Variant type: single nucleotide variant.
Coding change: c.754A>G on transcript NM_002734.5 (MANE Select); coding-DNA position 754, A replaced by G.
Protein change: p.Lys252Glu; replaces lysine 252 with glutamic acid.
Molecular consequence: missense variant.
Genome position (GRCh38, 1-based): chr17:68,527,885, A>G. VCF-style: chr17-68527885-A-G. GRCh37 (hg19) VCF-style: chr17-66524026-A-G.
Other names: c.754A>G (NM_002734.3); c.754A>G, p.Lys252Glu (NM_001276289.2, NM_001276290.1, NM_001278433.2 and 4 more transcripts); short protein forms K252E.
Identifiers: ClinVar variation 858696 (VCV000858696.10), dbSNP rs763921895, ClinGen allele CA8729360.